The following is an entry in ClinVar:

NM_016203.4(PRKAG2):c.586T>C (p.Ser196Pro)

Gene: PRKAG2 (protein kinase AMP-activated non-catalytic subunit gamma 2; minus strand). Cytogenetic location: 7q36.1.
Variant type: single nucleotide variant.
Coding change: c.586T>C on transcript NM_016203.4 (MANE Select); coding-DNA position 586, T replaced by C.
Protein change: p.Ser196Pro; replaces serine 196 with proline.
Molecular consequence: missense variant. On other transcripts: intron variant (5).
Genome position (GRCh38, 1-based): chr7:151,675,518, A>G on the plus strand (T>C on the coding strand, the complement: PRKAG2 is on the minus strand). VCF-style: chr7-151675518-A-G. GRCh37 (hg19) VCF-style: chr7-151372604-A-G.
Other names: c.454T>C, p.Ser152Pro (NM_001407024.1, NM_001407026.1, NM_001407027.1 and 1 more transcripts); c.214T>C, p.Ser72Pro (NM_001407028.1, NM_001407029.1, NM_001304527.2 and 1 more transcripts); c.268T>C, p.Ser90Pro (NM_001407032.1); c.467-80067T>C (NM_001407031.1); c.467-80064T>C (NM_001407030.1); c.361-43380T>C (NM_001407033.1); c.94+60382T>C (NM_001407037.1); c.13-43380T>C (NM_001407038.1); and 1 more; short protein forms S152P, S196P, S72P, S90P.
Identifiers: ClinVar variation 3070351 (VCV003070351.1), dbSNP rs1585680609, ClinGen allele CA370187640.
Genomic context (GRCh38, chr7:151,675,518, plus strand): 5'-GAGGCCTGGTCGGGCTCTGGAAGGAAGACGGGCAGAACCTCTGCCCTGTGTCCGGGGGGG[A>G]AGACGAGGCATAGATGCGATTCTCTAACCGTTCAGGCTCGTGCTTATAGGATTCCAGGGG-3'
Protein context (NP_057287.2, residues 186-206): RLENRIYASS[Ser196Pro]PPDTGQRFCP

ClinVar aggregate classification (germline): Uncertain significance (1 of 4 stars; one submission).

Conditions:
Hypertrophic cardiomyopathy. Also called: HYPERTROPHIC MYOCARDIOPATHY. Identifiers: Orphanet 217569, MedGen C0007194, MeSH D002312, MONDO:0005045, HP:0001639.

Submission:

All of Us Research Program, National Institutes of Health
Classification: Uncertain significance for Hypertrophic cardiomyopathy. Last evaluated: 2023-04-10. Review status: criteria provided, single submitter. Criteria: ACMG Guidelines, 2015. Collection method: clinical testing. Allele origin: germline. Inheritance: Autosomal dominant inheritance. Observed: 1 variant allele, 1 heterozygote.
Comment: This missense variant replaces serine with proline at codon 196 of the PRKAG2 protein. Computational prediction suggests that this variant may not impact protein structure and function (internally defined REVEL score threshold <= 0.5, PMID: 27666373). To our knowledge, functional studies have not been reported for this variant. This variant has not been reported in individuals affected with PRKAG2-related disorders in the literature. This variant has not been identified in the general population by the Genome Aggregation Database (gnomAD). The available evidence is insufficient to determine the role of this variant in disease conclusively. Therefore, this variant is classified as a Variant of Uncertain Significance.

This study involves interpretation of variants in research participants for the purpose of population health screening. Participant phenotype was not available at the time of variant classification. Additional details can be found in publication PMID: 35346344, PMCID: PMC8962531